The following is an entry in ClinVar:

ClinVar aggregate classification (germline): Pathogenic. Review status: criteria provided, multiple submitters, no conflicts (2 of 4 stars). 3 submissions from 3 submitters: Pathogenic (3). Last evaluated 2022-12-16.

Conditions:
Duchenne muscular dystrophy (DMD). Also called: Duchenne Muscular Dystrophy (DMD); MUSCULAR DYSTROPHY, PSEUDOHYPERTROPHIC PROGRESSIVE, DUCHENNE TYPE. Identifiers: Orphanet 98896, MedGen C0013264, MONDO:0010679, OMIM 310200.

Submissions (3):

Laboratory of Medical Genetics, National & Kapodistrian University of Athens
Classification: Pathogenic for Duchenne muscular dystrophy. Last evaluated: 2022-12-16. Review status: criteria provided, single submitter. Criteria: ACMG Guidelines, 2015. Collection method: clinical testing. Allele origin: germline. Affected: yes.
Comment: PVS1, PM2, PP5

Labcorp Genetics (formerly Invitae), Labcorp
Classification: Pathogenic for Duchenne muscular dystrophy. Last evaluated: 2022-08-17. Review status: criteria provided, single submitter. Criteria: Invitae Variant Classification Sherloc (09022015). Collection method: clinical testing. Allele origin: germline.
Comment: This sequence change creates a premature translational stop signal (p.Lys1708Asnfs*12) in the DMD gene. It is expected to result in an absent or disrupted protein product. Loss-of-function variants in DMD are known to be pathogenic (PMID: 16770791, 25007885). For these reasons, this variant has been classified as Pathogenic. ClinVar contains an entry for this variant (Variation ID: 94653). This premature translational stop signal has been observed in individual(s) with clinical features of Duchenne muscular dystrophy (PMID: 25972034). This variant is not present in population databases (gnomAD no frequency).

Eurofins Ntd Llc (ga)
Classification: Pathogenic. Last evaluated: 2013-03-28. Review status: criteria provided, single submitter. Criteria: EGL Classification Definitions 2015. Collection method: clinical testing. Allele origin: germline. Observed: 1 variant allele, 1 hemizygote.

Literature cited by the submitters: PubMed 32906206 (cited by Laboratory of Medical Genetics, National & Kapodistrian University of Athens); PubMed 16770791 (cited by Labcorp Genetics (formerly Invitae), Labcorp); PubMed 25007885 (cited by Labcorp Genetics (formerly Invitae), Labcorp); PubMed 25972034 (cited by Labcorp Genetics (formerly Invitae), Labcorp).

NM_004006.3(DMD):c.5124_5127del (p.Lys1708fs)

Gene: DMD (dystrophin; minus strand). Cytogenetic location: Xp21.1.
Variant type: Deletion.
Coding change: c.5124_5127del on transcript NM_004006.3 (MANE Select); coding-DNA positions 5124 to 5127, 4 bases deleted (GAAA; older notation c.5124_5127delGAAA).
Protein change: p.Lys1708fs; shifts the reading frame from lysine 1708.
Molecular consequence: frameshift variant.
Genome position (GRCh38, 1-based): chrX:32,364,609-32,364,612, TTTC deleted on the plus strand (GAAA on the coding strand, the reverse complement: DMD is on the minus strand); deleting any 4 consecutive bases within chrX:32,364,609-32,364,615 gives the same sequence; the c. name uses the placement nearest the transcript's 3' end. VCF-style (leftmost placement, unchanged base first): chrX-32364608-GTTTC-G. GRCh37 (hg19) VCF-style: chrX-32382725-GTTTC-G.
Other names: c.5100_5103del, p.Lys1700fs (NM_000109.4); c.5112_5115del, p.Lys1704fs (NM_004009.3); c.4755_4758del, p.Lys1585fs (NM_004010.3); c.1101_1104del, p.Lys367fs (NM_004011.4); c.1092_1095del, p.Lys364fs (NM_004012.4); c.5124_5127delGAAA (NM_004006.2); short protein forms K364fs, K1585fs, K1700fs, K1704fs, K1708fs, K367fs.
Identifiers: ClinVar variation 94653 (VCV000094653.15), dbSNP rs398123979, ClinGen allele CA267051.